The following is an entry in ClinVar:

ClinVar aggregate classification (germline): Uncertain significance (1 of 4 stars; one submission).

Conditions:
LAMA2-related muscular dystrophy (LAMA2-RD). Also called: Laminin alpha 2-related dystrophy. Identifiers: MedGen C5679788, MONDO:0100228.

gnomAD v4.1: 1 of 1,613,234 alleles (0.000062%); highest among the groups gnomAD compares: Non-Finnish European, 0.000085%; no homozygotes.

Submission:

Labcorp Genetics (formerly Invitae), Labcorp
Classification: Uncertain significance for LAMA2-related muscular dystrophy. Last evaluated: 2019-04-05. Review status: criteria provided, single submitter. Criteria: Invitae Variant Classification Sherloc (09022015). Collection method: clinical testing. Allele origin: germline.
Comment: This sequence change replaces arginine with proline at codon 1450 of the LAMA2 protein (p.Arg1450Pro). The arginine residue is moderately conserved and there is a moderate physicochemical difference between arginine and proline. This variant is not present in population databases (ExAC no frequency). This variant has not been reported in the literature in individuals with LAMA2-related conditions. Algorithms developed to predict the effect of missense changes on protein structure and function are either unavailable or do not agree on the potential impact of this missense change (SIFT: "Deleterious"; PolyPhen-2: "Probably Damaging"; Align-GVGD: "Class C0"). In summary, the available evidence is currently insufficient to determine the role of this variant in disease. Therefore, it has been classified as a Variant of Uncertain Significance.

NM_000426.4(LAMA2):c.4349G>C (p.Arg1450Pro)

Gene: LAMA2 (laminin subunit alpha 2; plus strand). Cytogenetic location: 6q22.33.
Variant type: single nucleotide variant.
Coding change: c.4349G>C on transcript NM_000426.4 (MANE Select); coding-DNA position 4349, G replaced by C.
Protein change: p.Arg1450Pro; replaces arginine 1450 with proline.
Molecular consequence: missense variant.
Genome position (GRCh38, 1-based): chr6:129,342,380, G>C. VCF-style: chr6-129342380-G-C. GRCh37 (hg19) VCF-style: chr6-129663525-G-C.
Other names: c.4349G>C, p.Arg1450Pro (NM_001079823.2); short protein forms R1450P.
Identifiers: ClinVar variation 952737 (VCV000952737.10), dbSNP rs148905630, ClinGen allele CA365615228.